The following is an entry in ClinVar:

NM_000465.4(BARD1):c.1133G>A (p.Arg378Lys)

Gene: BARD1 (BRCA1 associated RING domain 1; minus strand). Cytogenetic location: 2q35.
Variant type: single nucleotide variant.
Coding change: c.1133G>A on transcript NM_000465.4 (MANE Select); coding-DNA position 1133, G replaced by A.
Protein change: p.Arg378Lys; replaces arginine 378 with lysine.
Molecular consequence: missense variant. On other transcripts: non-coding transcript variant (2), intron variant (3).
Genome position (GRCh38, 1-based): chr2:214,780,741, C>T on the plus strand (G>A on the coding strand, the complement: BARD1 is on the minus strand). VCF-style: chr2-214780741-C-T. GRCh37 (hg19) VCF-style: chr2-215645465-C-T.
Other names: c.1076G>A, p.Arg359Lys (NM_001282543.2); c.159-28186G>A (NM_001282548.2); c.215+16320G>A (NM_001282545.2); c.364+11556G>A (NM_001282549.2); short protein forms R359K, R378K.
Identifiers: ClinVar variation 1729096 (VCV001729096.2), dbSNP rs1694958678, ClinGen allele CA350453995.

ClinVar aggregate classification (germline): Uncertain significance (1 of 4 stars; one submission).

Conditions:
Hereditary cancer-predisposing syndrome. Also called: Tumor predisposition; Neoplastic Syndromes, Hereditary; Hereditary Cancer Syndrome; Hereditary neoplastic syndrome. Identifiers: Orphanet 140162, MedGen C0027672, MeSH D009386, MONDO:0015356.

Submission:

Ambry Genetics
Classification: Uncertain significance for Hereditary cancer-predisposing syndrome. Last evaluated: 2019-06-05. Review status: criteria provided, single submitter. Criteria: Ambry Variant Classification Scheme 2023. Collection method: clinical testing. Allele origin: germline.
Comment: The p.R378K variant (also known as c.1133G>A), located in coding exon 4 of the BARD1 gene, results from a G to A substitution at nucleotide position 1133. The arginine at codon 378 is replaced by lysine, an amino acid with highly similar properties. This amino acid position is not well conserved in available vertebrate species. In addition, this alteration is predicted to be tolerated by in silico analysis. Since supporting evidence is limited at this time, the clinical significance of this alteration remains unclear.